The following is an entry in ClinVar:

NM_015338.6(ASXL1):c.-21CCG[3]

Gene: ASXL1 (ASXL transcriptional regulator 1; plus strand). Cytogenetic location: 20q11.21.
Variant type: Microsatellite.
Coding change: c.-21CCG[3] on transcript NM_015338.6 (MANE Select); three copies in a row of the 3-base unit CCG starting at c.-21; the reference has four copies in a row; one copy, 3 bases deleted.
Molecular consequence: 5 prime UTR variant.
Genome position (GRCh38, 1-based): chr20:32,358,764-32,358,766, CCG deleted; deleting any 3 consecutive bases within chr20:32,358,754-32,358,766 gives the same sequence; the position shown is the placement nearest the transcript's 3' end. VCF-style (leftmost placement, unchanged base first): chr20-32358753-TGCC-T. GRCh37 (hg19) VCF-style: chr20-30946556-TGCC-T.
Other names: c.-21CCG[3] (NM_001164603.1); c.-21_-19CCG[3] (NM_015338.5); c.-12_-10delCCG (NM_015338.5).
Identifiers: ClinVar variation 3045967 (VCV003045967.2), dbSNP rs764597521, ClinGen allele CA9807945.

ClinVar aggregate classification (germline): Likely benign (0 of 4 stars; one submission).

Conditions:
ASXL1-related disorder. Also called: ASXL1-related disorders; ASXL1-related condition.

Submission:

PreventionGenetics, part of Exact Sciences
Classification: Likely benign for ASXL1-related condition. Last evaluated: 2023-12-21. Review status: no assertion criteria provided. Collection method: clinical testing. Allele origin: germline.
Comment: This variant is classified as likely benign based on ACMG/AMP sequence variant interpretation guidelines (Richards et al. 2015 PMID: 25741868, with internal and published modifications).